The following is an entry in ClinVar:

NM_139076.3(ABRAXAS1):c.637C>T (p.His213Tyr)

Gene: ABRAXAS1 (abraxas 1, BRCA1 A complex subunit; minus strand). Cytogenetic location: 4q21.23.
Variant type: single nucleotide variant.
Coding change: c.637C>T on transcript NM_139076.3 (MANE Select); coding-DNA position 637, C replaced by T.
Protein change: p.His213Tyr; replaces histidine 213 with tyrosine.
Molecular consequence: missense variant.
Genome position (GRCh38, 1-based): chr4:83,467,498, G>A on the plus strand (C>T on the coding strand, the complement: ABRAXAS1 is on the minus strand). VCF-style: chr4-83467498-G-A. GRCh37 (hg19) VCF-style: chr4-84388651-G-A.
Other names: c.310C>T, p.His104Tyr (NM_001345962.2); short protein forms H213Y, H104Y.
Identifiers: ClinVar variation 3448399 (VCV003448399.1).
Genomic context (GRCh38, chr4:83,467,498, plus strand): 5'-TGATATGTTAACTTACCTTTAATTCCTCTTGTAATGAAGCATACATTTCATTTATCTTAT[G>A]TACCTCCTTTAAGGATCCATCTTCTTCAAAAAATTTAGAGCTGTAAAAAATTACCATTTC-3'
Protein context (NP_620775.2, residues 203-223): FEEDGSLKEV[His213Tyr]KINEMYASLQ

ClinVar aggregate classification (germline): Uncertain significance (1 of 4 stars; one submission).

Submission:

Ambry Genetics
Classification: Uncertain significance. Last evaluated: 2024-11-02. Review status: criteria provided, single submitter. Criteria: Ambry Variant Classification Scheme 2023. Collection method: clinical testing. Allele origin: germline.
Comment: The p.H213Y variant (also known as c.637C>T), located in coding exon 7 of the FAM175A gene, results from a C to T substitution at nucleotide position 637. The histidine at codon 213 is replaced by tyrosine, an amino acid with similar properties. This amino acid position is conserved. In addition, this alteration is predicted to be tolerated by in silico analysis. Based on the available evidence, the clinical significance of this variant remains unclear.